The following is an entry in ClinVar:

NM_001042367.2(REC114):c.442G>A (p.Val148Met)

Gene: REC114 (REC114 meiotic recombination protein; plus strand). Cytogenetic location: 15q24.1.
Variant type: single nucleotide variant.
Coding change: c.442G>A on transcript NM_001042367.2 (MANE Select); coding-DNA position 442, G replaced by A.
Protein change: p.Val148Met; replaces valine 148 with methionine.
Molecular consequence: missense variant.
Genome position (GRCh38, 1-based): chr15:73,551,046, G>A. VCF-style: chr15-73551046-G-A. GRCh37 (hg19) VCF-style: chr15-73843387-G-A.
Other names: c.358G>A, p.Val120Met (NM_001348772.2); short protein forms V120M, V148M.
Identifiers: ClinVar variation 779894 (VCV000779894.7), dbSNP rs12102004, ClinGen allele CA7649666.
Genomic context (GRCh38, chr15:73,551,046, plus strand): 5'-CAGGCGCTGGAACACTGCTGCAGTTGTGTTCAGAAGCTGGCACAATACATAACCGTGCAG[G>A]TGCCTGATGGAAACATCCAGGAGCTTCAGCTGATTCCTGGCCCACCCAGGGCAACTGAAA-3'
Protein context (NP_001035826.1, residues 138-158): QKLAQYITVQ[Val148Met]PDGNIQELQL

ClinVar aggregate classification (germline): Benign. Review status: criteria provided, multiple submitters, no conflicts (2 of 4 stars). 3 submissions from 3 submitters: Benign (2). 1 of the submissions does not count toward it. Last evaluated 2019-12-31.

Conditions:
REC114-related disorder. Also called: REC114-related condition.

Allele frequency attached by ClinVar (database versions not stated): ExAC 0.00980; gnomAD 0.02855; TOPMed 0.03201; ESP Exome Variant Server 0.03281; 1000 Genomes Project 0.03634; 1000 Genomes Project 30x 0.04091.
gnomAD v4.1: 9,193 of 1,613,828 alleles (0.57%); highest among the groups gnomAD compares: African/African-American, 10%; 440 homozygotes.

Submissions (3):

Labcorp Genetics (formerly Invitae), Labcorp
Classification: Benign. Last evaluated: 2019-12-31. Review status: criteria provided, single submitter. Criteria: Invitae Variant Classification Sherloc (09022015). Collection method: clinical testing. Allele origin: germline.

Breakthrough Genomics
Classification: Benign. Review status: criteria provided, single submitter. Criteria: ACMG Guidelines, 2015. Collection method: not provided. Allele origin: germline. Inheritance: Autosomal recessive inheritance. Affected: yes.

PreventionGenetics, part of Exact Sciences
Classification: Benign for REC114-related condition. Last evaluated: 2019-11-07. Review status: no assertion criteria provided. Collection method: clinical testing. Allele origin: germline. Not counted in ClinVar's aggregate classification.
Comment: This variant is classified as benign based on ACMG/AMP sequence variant interpretation guidelines (Richards et al. 2015 PMID: 25741868, with internal and published modifications).